The following is an entry in ClinVar:

ClinVar aggregate classification (germline): Likely benign. Review status: criteria provided, multiple submitters, no conflicts (2 of 4 stars). 2 submissions from 2 submitters: Likely benign (2). Last evaluated 2026-01-01.

Conditions:
Hypokalemic periodic paralysis, type 1. Also called: Hypokalemic Periodic Paralysis Type 1 (AD); HypoPP. Identifiers: Orphanet 681, MedGen C3714580, MONDO:0042979, OMIM 170400.
Malignant hyperthermia, susceptibility to, 5 (MHS5). Also called: CACNA1S-Related Malignant Hyperthermia Susceptibility. Identifiers: Orphanet 423, MedGen C1866077, MONDO:0011163, OMIM 601887.

Allele frequency attached by ClinVar (database versions not stated): ExAC 0.00001; TOPMed 0.00001; ESP Exome Variant Server 0.00008.

Submissions (2):

CeGaT Center for Human Genetics Tuebingen
Classification: Likely benign. Last evaluated: 2026-01-01. Review status: criteria provided, single submitter. Criteria: CeGaT Center For Human Genetics Tuebingen Variant Classification Criteria Version 2. Collection method: clinical testing. Allele origin: germline. Affected: yes. Observed: 1 variant allele.
Comment: CACNA1S: BP4, BP7

Labcorp Genetics (formerly Invitae), Labcorp
Classification: Likely benign for Hypokalemic periodic paralysis, type 1; Malignant hyperthermia, susceptibility to, 5. Last evaluated: 2022-10-28. Review status: criteria provided, single submitter. Criteria: Invitae Variant Classification Sherloc (09022015). Collection method: clinical testing. Allele origin: germline.

NM_000069.3(CACNA1S):c.5322G>A (p.Glu1774=)

Gene: CACNA1S (calcium voltage-gated channel subunit alpha1 S; minus strand). Cytogenetic location: 1q32.1.
Variant type: single nucleotide variant.
Coding change: c.5322G>A on transcript NM_000069.3 (MANE Select); coding-DNA position 5322, G replaced by A.
Protein change: p.Glu1774=; no amino-acid change (glutamic acid 1774 retained).
Molecular consequence: synonymous variant.
Genome position (GRCh38, 1-based): chr1:201,040,279, C>T on the plus strand (G>A on the coding strand, the complement: CACNA1S is on the minus strand). VCF-style: chr1-201040279-C-T. GRCh37 (hg19) VCF-style: chr1-201009407-C-T.
Identifiers: ClinVar variation 1139448 (VCV001139448.21), dbSNP rs377099101, ClinGen allele CA083807.